The following is an entry in ClinVar:

ClinVar aggregate classification (germline): Uncertain significance (1 of 4 stars; one submission).

Conditions:
Episodic ataxia type 1 (EA1). Also called: ATAXIA, EPISODIC, WITH MYOKYMIA; MYOKYMIA WITH PERIODIC ATAXIA; PAROXYSMAL ATAXIA WITH NEUROMYOTONIA, HEREDITARY; Episodic ataxia/myokymia syndrome. Identifiers: Orphanet 37612, Orphanet 972, MedGen C1719788, MONDO:0008047, OMIM 160120.

Submission:

Labcorp Genetics (formerly Invitae), Labcorp
Classification: Uncertain significance for Episodic ataxia type 1. Last evaluated: 2023-06-14. Review status: criteria provided, single submitter. Criteria: Invitae Variant Classification Sherloc (09022015). Collection method: clinical testing. Allele origin: germline.
Comment: In summary, the available evidence is currently insufficient to determine the role of this variant in disease. Therefore, it has been classified as a Variant of Uncertain Significance. Advanced modeling of protein sequence and biophysical properties (such as structural, functional, and spatial information, amino acid conservation, physicochemical variation, residue mobility, and thermodynamic stability) performed at Invitae indicates that this missense variant is not expected to disrupt KCNA1 protein function. This variant has not been reported in the literature in individuals affected with KCNA1-related conditions. This variant is not present in population databases (gnomAD no frequency). This sequence change replaces glutamine, which is neutral and polar, with leucine, which is neutral and non-polar, at codon 51 of the KCNA1 protein (p.Gln51Leu).

NM_000217.3(KCNA1):c.152A>T (p.Gln51Leu)

Gene: KCNA1 (potassium voltage-gated channel subfamily A member 1; plus strand). Cytogenetic location: 12p13.32.
Variant type: single nucleotide variant.
Coding change: c.152A>T on transcript NM_000217.3 (MANE Select); coding-DNA position 152, A replaced by T.
Protein change: p.Gln51Leu; replaces glutamine 51 with leucine.
Molecular consequence: missense variant.
Genome position (GRCh38, 1-based): chr12:4,911,530, A>T. VCF-style: chr12-4911530-A-T. GRCh37 (hg19) VCF-style: chr12-5020696-A-T.
Other names: short protein forms Q51L.
Identifiers: ClinVar variation 2713358 (VCV002713358.3), dbSNP rs2497351549, ClinGen allele CA383453914.
Genomic context (GRCh38, chr12:4,911,530, plus strand): 5'-ACGACCACGAGTGCTGCGAGCGCGTGGTGATCAACATCTCCGGGCTGCGCTTCGAGACGC[A>T]GCTCAAGACCCTGGCGCAGTTCCCCAACACGCTGCTGGGCAACCCTAAGAAACGCATGCG-3'
Protein context (NP_000208.2, residues 41-61): INISGLRFET[Gln51Leu]LKTLAQFPNT